The following is an entry in ClinVar:

ClinVar aggregate classification (germline): Uncertain significance (1 of 4 stars; one submission).

Conditions:
Wolff-Parkinson-White pattern. Also called: Auriculoventricular accessory pathway syndrome; False bundle branch block syndrome; Anomalous ventricular excitation syndrome; WPW SYNDROME. Identifiers: MedGen C0043202, MONDO:0008685, OMIM 194200, HP:0001716.

Submission:

Centre for Mendelian Genomics, University Medical Centre Ljubljana
Classification: Uncertain significance for Wolff-Parkinson-White pattern. Last evaluated: 2019-04-02. Review status: criteria provided, single submitter. Criteria: ACMG Guidelines, 2015. Collection method: clinical testing. Allele origin: unknown. Affected: yes.
Comment: This variant was classified as: Uncertain significance. The available evidence on this variant's pathogenicity is insufficient or conflicting. The following ACMG criteria were applied in classifying this variant: PM2,PP3.

NM_016203.4(PRKAG2):c.413C>G (p.Ser138Cys)

Gene: PRKAG2 (protein kinase AMP-activated non-catalytic subunit gamma 2; minus strand). Cytogenetic location: 7q36.1.
Variant type: single nucleotide variant.
Coding change: c.413C>G on transcript NM_016203.4 (MANE Select); coding-DNA position 413, C replaced by G.
Protein change: p.Ser138Cys; replaces serine 138 with cysteine.
Molecular consequence: missense variant.
Genome position (GRCh38, 1-based): chr7:151,781,205, G>C on the plus strand (C>G on the coding strand, the complement: PRKAG2 is on the minus strand). VCF-style: chr7-151781205-G-C. GRCh37 (hg19) VCF-style: chr7-151478291-G-C.
Other names: c.281C>G, p.Ser94Cys (NM_001040633.2); short protein forms S138C, S94C.
Identifiers: ClinVar variation 931949 (VCV000931949.3), dbSNP rs2076650862, ClinGen allele CA370069355.